The following is an entry in ClinVar:

ClinVar aggregate classification (germline): Conflicting classifications of pathogenicity. Review status: criteria provided, conflicting classifications (1 of 4 stars). 4 submissions from 4 submitters: Uncertain significance (2); Likely benign (1). 1 of the submissions does not count toward it. Last evaluated 2025-10-23.

Conditions:
MTMR14-related disorder. Also called: MTMR14-related condition.

Allele frequency attached by ClinVar (database versions not stated): gnomAD exomes 0.00006 and 0.00016; ExAC 0.00015; gnomAD 0.00060 and 0.00064; 1000 Genomes Project 30x 0.00062; TOPMed 0.00063; ESP Exome Variant Server 0.00067; 1000 Genomes Project 0.00080.
gnomAD v4.1: 174 of 1,613,984 alleles (0.011%); highest among the groups gnomAD compares: African/African-American, 0.21%; no homozygotes.

Submissions (4):

Labcorp Genetics (formerly Invitae), Labcorp
Classification: Likely benign. Last evaluated: 2025-10-23. Review status: criteria provided, single submitter. Criteria: Invitae Variant Classification Sherloc (09022015). Collection method: clinical testing. Allele origin: germline.

Revvity Omics, Revvity
Classification: Uncertain significance. Last evaluated: 2019-07-18. Review status: criteria provided, single submitter. Criteria: ACMG Guidelines, 2015. Collection method: clinical testing. Allele origin: germline.

Eurofins Ntd Llc (ga)
Classification: Uncertain significance. Last evaluated: 2015-08-27. Review status: criteria provided, single submitter. Criteria: EGL Classification Definitions 2015. Collection method: clinical testing. Allele origin: germline. Observed: 1 variant allele, 1 heterozygote.

PreventionGenetics, part of Exact Sciences
Classification: Likely benign for MTMR14-related condition. Last evaluated: 2020-01-06. Review status: no assertion criteria provided. Collection method: clinical testing. Allele origin: germline. Not counted in ClinVar's aggregate classification.
Comment: This variant is classified as likely benign based on ACMG/AMP sequence variant interpretation guidelines (Richards et al. 2015 PMID: 25741868, with internal and published modifications).

NM_001077525.3(MTMR14):c.780T>A (p.Asp260Glu)

Gene: MTMR14 (myotubularin related protein 14; plus strand). Cytogenetic location: 3p25.3.
Variant type: single nucleotide variant.
Coding change: c.780T>A on transcript NM_001077525.3 (MANE Select); coding-DNA position 780, T replaced by A.
Protein change: p.Asp260Glu; replaces aspartic acid 260 with glutamic acid.
Molecular consequence: missense variant.
Genome position (GRCh38, 1-based): chr3:9,677,345, T>A. VCF-style: chr3-9677345-T-A. GRCh37 (hg19) VCF-style: chr3-9719029-T-A.
Other names: c.780T>A, p.Asp260Glu (NM_001077526.3, NM_022485.5); c.780T>A (NM_022485.4); short protein forms D260E.
Identifiers: ClinVar variation 282725 (VCV000282725.16), dbSNP rs142525507, ClinGen allele CA2240454.